The following is an entry in ClinVar:

ClinVar aggregate classification (germline): Uncertain significance (1 of 4 stars; one submission).

Conditions:
SEMA3G-related disorder. Also called: SEMA3G-related condition.

Allele frequency attached by ClinVar (database versions not stated): TOPMed 0.00010; ExAC 0.00011; gnomAD 0.00011; gnomAD exomes 0.00020.
gnomAD v4.1: 322 of 1,612,962 alleles (0.02%); highest among the groups gnomAD compares: Non-Finnish European, 0.025%; no homozygotes.

Submission:

PreventionGenetics, part of Exact Sciences
Classification: Uncertain significance for SEMA3G-related condition. Last evaluated: 2025-12-29. Review status: criteria provided, single submitter. Criteria: ACMG Guidelines, 2015. Collection method: clinical testing. Allele origin: germline.
Comment: The SEMA3G c.1681C>T variant is predicted to result in the amino acid substitution p.Arg561Trp. This variant was reported in an individual with severe obesity (van der Klaauw et al. 2019. PubMed ID: 30661757). At PreventionGenetics, this variant has been the only variant noted in multiple individuals tested for childhood obesity, but it has also been noted in combination with other possible obesity related variants and in individuals tested for other indications. Functional studies suggested that this variant does not significantly affect protein function (Figure 1 and Table S3, van der Klaauw et al. 2019. PubMed ID: 30661757). This variant is reported in 0.021% of alleles in individuals of European (non-Finnish) descent in gnomAD. At this time, the clinical significance of this variant is uncertain due to the absence of conclusive functional and genetic evidence.

NM_020163.3(SEMA3G):c.1681C>T (p.Arg561Trp)

Gene: SEMA3G (semaphorin 3G; minus strand). Cytogenetic location: 3p21.1.
Variant type: single nucleotide variant.
Coding change: c.1681C>T on transcript NM_020163.3 (MANE Select); coding-DNA position 1681, C replaced by T.
Protein change: p.Arg561Trp; replaces arginine 561 with tryptophan.
Molecular consequence: missense variant.
Genome position (GRCh38, 1-based): chr3:52,438,028, G>A on the plus strand (C>T on the coding strand, the complement: SEMA3G is on the minus strand). VCF-style: chr3-52438028-G-A. GRCh37 (hg19) VCF-style: chr3-52472044-G-A.
Other names: short protein forms R561W.
Identifiers: ClinVar variation 2634782 (VCV002634782.3), dbSNP rs766646342, ClinGen allele CA2437850.
Genomic context (GRCh38, chr3:52,438,028, plus strand): 5'-CACCTTCCTGGCTCTGGCCCAGGCACTGCAGGGCAGGGTTGCCGTGCCGGATGTCCTGCC[G>A]GCGGAACCGGCGCTTGCCAAGGCTGGGGCGGTAGTGGGTACAGGAGGCACCATCCCAGGC-3'
Protein context (NP_064548.1, residues 551-571): RPSLGKRRFR[Arg561Trp]QDIRHGNPAL